The following is an entry in ClinVar:

ClinVar aggregate classification (germline): Pathogenic/Likely pathogenic. Review status: criteria provided, multiple submitters, no conflicts (2 of 4 stars). 2 submissions from 2 submitters: Pathogenic (1); Likely pathogenic (1). Last evaluated 2025-03-13.

Conditions:
LAMA2-related muscular dystrophy (LAMA2-RD). Also called: Laminin alpha 2-related dystrophy. Identifiers: MedGen C5679788, MONDO:0100228.
LAMA2-related disorder. Also called: LAMA2-related disorders; LAMA2-related condition.

Submissions (2):

Myriad Genetics, Inc.
Classification: Pathogenic for LAMA2-related muscular dystrophy. Last evaluated: 2025-03-13. Review status: criteria provided, single submitter. Criteria: Myriad Autosomal Dominant, Autosomal Recessive and X-Linked Classification Criteria (2023). Collection method: clinical testing. Allele origin: unknown.
Comment: NM_000426.3(LAMA2):c.7745delG(G2582Dfs*6) is expected to be pathogenic in the context of muscular dystrophy, LAMA2-related. This variant is predicted to lead to an abnormal or absent protein product due to the creation of a premature termination codon in LAMA2, a gene where loss-of-function variants are known to be pathogenic. Please note: this variant was assessed in the context of healthy population screening.

Blueprint Genetics
Classification: Likely pathogenic for LAMA2-related disorders. Last evaluated: 2023-02-14. Review status: criteria provided, single submitter. Criteria: ACMG Guidelines, 2015. Collection method: clinical testing. Allele origin: germline. Affected: yes. Observed: 1 variant allele.

NM_000426.4(LAMA2):c.7745del (p.Gly2582fs)

Gene: LAMA2 (laminin subunit alpha 2; plus strand). Cytogenetic location: 6q22.33.
Variant type: Deletion.
Coding change: c.7745del on transcript NM_000426.4 (MANE Select); coding-DNA position 7745, one base deleted (G; older notation c.7745delG).
Protein change: p.Gly2582fs; shifts the reading frame from glycine 2582.
Molecular consequence: frameshift variant.
Genome position (GRCh38, 1-based): chr6:129,481,435, G deleted; the last of 2 consecutive G bases (chr6:129,481,434-129,481,435); deleting either gives the same sequence. VCF-style (leftmost placement, unchanged base first): chr6-129481433-TG-T. GRCh37 (hg19) VCF-style: chr6-129802578-TG-T.
Other names: c.7733del, p.Gly2578fs (NM_001079823.2); short protein forms G2578fs, G2582fs.
Identifiers: ClinVar variation 4893967 (VCV004893967.2).